The following is an entry in ClinVar:

ClinVar aggregate classification (germline): Conflicting classifications of pathogenicity. Review status: criteria provided, conflicting classifications (1 of 4 stars). 7 submissions from 7 submitters: Likely pathogenic (4); Uncertain significance (1). 2 of the submissions do not count toward it. Last evaluated 2026-01-18.

Conditions:
Very long chain acyl-CoA dehydrogenase deficiency (ACADVLD). Also called: Very Long-Chain Acyl-Coenzyme A Dehydrogenase Deficiency; VLCAD Deficiency. Identifiers: Orphanet 26793, MedGen C3887523, MONDO:0008723, OMIM 201475.
ACADVL-related disorder. Also called: ACADVL-related condition.

Allele frequency attached by ClinVar (database versions not stated): gnomAD 0.00001; TOPMed 0.00001; ESP Exome Variant Server 0.00008.
gnomAD v4.1: 1 of 1,614,084 alleles (0.000062%); highest among the groups gnomAD compares: Non-Finnish European, 0.000085%; no homozygotes.

Submissions (7):

Labcorp Genetics (formerly Invitae), Labcorp
Classification: Likely pathogenic for Very long chain acyl-CoA dehydrogenase deficiency. Last evaluated: 2026-01-18. Review status: criteria provided, single submitter. Criteria: Invitae Variant Classification Sherloc (09022015). Collection method: clinical testing. Allele origin: germline.
Comment: This sequence change replaces valine, which is neutral and non-polar, with methionine, which is neutral and non-polar, at codon 400 of the ACADVL protein (p.Val400Met). This variant is present in population databases (rs149116708, gnomAD 0.0009%). This missense change has been observed in individual(s) with very long chain acyl-CoA dehydrogenase (VLCAD) deficiency (PMID: 26385305, 27538624). In at least one individual the data is consistent with being in trans (on the opposite chromosome) from a pathogenic variant. ClinVar contains an entry for this variant (Variation ID: 551143). Invitae Evidence Modeling of protein sequence and biophysical properties (such as structural, functional, and spatial information, amino acid conservation, physicochemical variation, residue mobility, and thermodynamic stability) indicates that this missense variant is not expected to disrupt ACADVL protein function with a negative predictive value of 80%. In summary, the currently available evidence indicates that the variant is pathogenic, but additional data are needed to prove that conclusively. Therefore, this variant has been classified as Likely Pathogenic.

Natera, Inc.
Classification: Likely pathogenic for Very long chain acyl-CoA dehydrogenase deficiency. Last evaluated: 2025-10-06. Review status: criteria provided, single submitter. Criteria: Natera Variant Classification Schema (03/2026). Collection method: clinical testing. Allele origin: germline.
Comment: The c.1198G>A variant in ACADVL is a missense variant predicted to cause substitution of valine to methionine at amino acid 400. This variant is rare in the general population with a frequency below the threshold expected for the associated phenotype(s). This variant has been observed in one or more individuals affected with the associated recessive disease, as either homozygous or compound heterozygous with a second variant (PMID: 27538624, 37688338). This variant has been identified in one or more affected individual with a phenotype highly consistent with the associated gene (PMID: 37688338). Computational prediction algorithms indicate this variant is likely to affect gene or protein function. Given the available evidence, this variant is classified as Likely Pathogenic.

Fulgent Genetics
Classification: Likely pathogenic for Very long chain acyl-CoA dehydrogenase deficiency. Last evaluated: 2024-04-11. Review status: criteria provided, single submitter. Criteria: ACMG Guidelines, 2015. Collection method: clinical testing. Allele origin: germline.

Baylor Genetics
Classification: Likely pathogenic for Very long chain acyl-CoA dehydrogenase deficiency. Last evaluated: 2024-03-08. Review status: criteria provided, single submitter. Criteria: ACMG Guidelines, 2015. Collection method: clinical testing. Allele origin: unknown.

Wong Mito Lab, Molecular and Human Genetics, Baylor College of Medicine
Classification: Uncertain significance for Very long chain acyl-CoA dehydrogenase deficiency. Last evaluated: 2019-11-01. Review status: criteria provided, single submitter. Criteria: ACMG Guidelines, 2015. Collection method: clinical testing. Allele origin: germline.
Comment: The NM_000018.3:c.1198G>A (NP_000009.1:p.Val400Met) [GRCH38: NC_000017.11:g.7223659G>A] variant in ACADVL gene is interpretated to be Uncertain Significance based on ACMG guidelines (PMID: 25741868). This variant has been reported. This variant meets the following evidence codes reported in the ACMG guidelines: PP4, BP4

PreventionGenetics, part of Exact Sciences
Classification: Likely pathogenic for ACADVL-related condition. Last evaluated: 2024-06-26. Review status: no assertion criteria provided. Collection method: clinical testing. Allele origin: germline. Not counted in ClinVar's aggregate classification.
Comment: The ACADVL c.1198G>A variant is predicted to result in the amino acid substitution p.Val400Met. This variant has been reported with another ACADVL variant in individuals with clinical and/or biochemical features consistent with very long chain acyl-CoA dehydrogenase deficiency (VLCADD, Yamamoto et al. 2016. PubMed ID: 27538624; Vallejo et al. 2021. PubMed ID: 34194748). In one individual, Western blot analysis of their fibroblast cells demonstrated reduced VLCAD protein expression and a skin biopsy confirmed the diagnosis (Yamamoto et al. 2016. PubMed ID: 27538624). This variant is reported in 0.00088% of alleles in individuals of European (Non-Finnish) descent in gnomAD. This variant is interpreted as likely pathogenic.

Counsyl
Classification: Uncertain significance for Very long chain acyl-CoA dehydrogenase deficiency. Last evaluated: 2017-03-16. Review status: no assertion criteria provided. Collection method: clinical testing. Allele origin: unknown. Not counted in ClinVar's aggregate classification.

Literature cited by the submitters: PubMed 26385305 (cited by Labcorp Genetics (formerly Invitae), Labcorp and Counsyl); PubMed 27538624 (cited by 3 submitters); PubMed 37688338 (cited by Natera, Inc.).

NM_000018.4(ACADVL):c.1198G>A (p.Val400Met)

Gene: ACADVL (acyl-CoA dehydrogenase very long chain; plus strand). Cytogenetic location: 17p13.1.
Variant type: single nucleotide variant.
Coding change: c.1198G>A on transcript NM_000018.4 (MANE Select); coding-DNA position 1198, G replaced by A.
Protein change: p.Val400Met; replaces valine 400 with methionine.
Molecular consequence: missense variant.
Genome position (GRCh38, 1-based): chr17:7,223,659, G>A. VCF-style: chr17-7223659-G-A. GRCh37 (hg19) VCF-style: chr17-7126978-G-A.
Other names: c.1132G>A, p.Val378Met (NM_001033859.3); c.1267G>A, p.Val423Met (NM_001270447.2); c.970G>A, p.Val324Met (NM_001270448.2); short protein forms V400M, V324M, V423M, V378M.
Identifiers: ClinVar variation 551143 (VCV000551143.15), dbSNP rs149116708, ClinGen allele CA287439257.
Genomic context (GRCh38, chr17:7,223,659, plus strand): 5'-GCCCTTTGCAATTTTCCTTCCCATGTCCCAACTATGCAACCTCAGTCCATGGCTTACATG[G>A]TGAGTGCTAACATGGACCAGGGAGCCACGGACTTCCAGATAGAGGCCGCCATCAGCAAAA-3'
Protein context (NP_000009.1, residues 390-410): QYVTESMAYM[Val400Met]SANMDQGATD